The following is an entry in ClinVar:

NM_000234.3(LIG1):c.2572G>T (p.Ala858Ser)

Gene: LIG1 (DNA ligase 1; minus strand). Cytogenetic location: 19q13.33.
Variant type: single nucleotide variant.
Coding change: c.2572G>T on transcript NM_000234.3 (MANE Select); coding-DNA position 2572, G replaced by T.
Protein change: p.Ala858Ser; replaces alanine 858 with serine.
Molecular consequence: missense variant. On other transcripts: non-coding transcript variant (6).
Genome position (GRCh38, 1-based): chr19:48,117,649, C>A on the plus strand (G>T on the coding strand, the complement: LIG1 is on the minus strand). VCF-style: chr19-48117649-C-A. GRCh37 (hg19) VCF-style: chr19-48620906-C-A.
Other names: c.2479G>T, p.Ala827Ser (NM_001289063.2); c.2368G>T, p.Ala790Ser (NM_001289064.2); c.2569G>T, p.Ala857Ser (NM_001320970.2); c.2482G>T, p.Ala828Ser (NM_001320971.2); short protein forms A858S, A828S, A857S, A790S, A827S.
Identifiers: ClinVar variation 1349808 (VCV001349808.6), dbSNP rs546126921, ClinGen allele CA9546369.

ClinVar aggregate classification (germline): Uncertain significance (1 of 4 stars; one submission).

Allele frequency attached by ClinVar (database versions not stated): gnomAD 0.00001; gnomAD exomes 0.00001 and 0.00002; TOPMed 0.00001; ExAC 0.00002; 1000 Genomes Project 30x 0.00016; 1000 Genomes Project 0.00020.
gnomAD v4.1: 11 of 1,612,768 alleles (0.00068%); highest among the groups gnomAD compares: East Asian, 0.018%; no homozygotes.

Submission:

Labcorp Genetics (formerly Invitae), Labcorp
Classification: Uncertain significance. Last evaluated: 2021-11-23. Review status: criteria provided, single submitter. Criteria: Invitae Variant Classification Sherloc (09022015). Collection method: clinical testing. Allele origin: germline.
Comment: In summary, the available evidence is currently insufficient to determine the role of this variant in disease. Therefore, it has been classified as a Variant of Uncertain Significance. Algorithms developed to predict the effect of missense changes on protein structure and function are either unavailable or do not agree on the potential impact of this missense change (SIFT: "Deleterious"; PolyPhen-2: "Probably Damaging"; Align-GVGD: "Class C0"). This variant has not been reported in the literature in individuals affected with LIG1-related conditions. This variant is present in population databases (rs546126921, gnomAD 0.02%). This sequence change replaces alanine, which is neutral and non-polar, with serine, which is neutral and polar, at codon 858 of the LIG1 protein (p.Ala858Ser).